The following is an entry in ClinVar:

ClinVar aggregate classification (germline): Pathogenic (1 of 4 stars; one submission).

Conditions:
Congenital myasthenic syndrome 2A. Also called: Myasthenic syndrome, congenital, 2a, slow-channel. Identifiers: Orphanet 590, MedGen C4225374, MONDO:0014581, OMIM 616313.

Submission:

Labcorp Genetics (formerly Invitae), Labcorp
Classification: Pathogenic for Congenital myasthenic syndrome 2A. Last evaluated: 2023-11-21. Review status: criteria provided, single submitter. Criteria: Invitae Variant Classification Sherloc (09022015). Collection method: clinical testing. Allele origin: germline.
Comment: This sequence change creates a premature translational stop signal (p.Ile203Hisfs*2) in the CHRNB1 gene. It is expected to result in an absent or disrupted protein product. Loss-of-function variants in CHRNB1 are known to be pathogenic (PMID: 10562302). This variant is present in population databases (no rsID available, gnomAD 0.002%). This variant has not been reported in the literature in individuals affected with CHRNB1-related conditions. ClinVar contains an entry for this variant (Variation ID: 631787). For these reasons, this variant has been classified as Pathogenic.

Literature cited by the submitters: PubMed 10562302.

NM_000747.3(CHRNB1):c.605dup (p.Ile203fs)

Gene: CHRNB1 (cholinergic receptor nicotinic beta 1 subunit; plus strand). Cytogenetic location: 17p13.1.
Variant type: Duplication.
Coding change: c.605dup on transcript NM_000747.3 (MANE Select); coding-DNA position 605, one base duplicated (T; older notation c.605dupT).
Protein change: p.Ile203fs; shifts the reading frame from isoleucine 203.
Molecular consequence: frameshift variant.
Genome position (GRCh38, 1-based): chr17:7,447,645, T duplicated; the last of 3 consecutive T bases (chr17:7,447,643-7,447,645); duplicating any one gives the same sequence. VCF-style (leftmost placement, unchanged base first): chr17-7447642-C-CT. GRCh37 (hg19) VCF-style: chr17-7350961-C-CT.
Other names: short protein forms I203fs.
Identifiers: ClinVar variation 631787 (VCV000631787.8), dbSNP rs1447564693, ClinGen allele CA624701567.